The following is an entry in ClinVar:

NM_007294.4(BRCA1):c.134+1391C>T

Gene: BRCA1 (BRCA1 DNA repair associated; minus strand). Cytogenetic location: 17q21.31.
Variant type: single nucleotide variant.
Coding change: c.134+1391C>T on transcript NM_007294.4 (MANE Select); 1391 bases into the intron after coding-DNA position 134, C replaced by T.
Molecular consequence: intron variant.
Genome position (GRCh38, 1-based): chr17:43,114,335, G>A on the plus strand (C>T on the coding strand, the complement: BRCA1 is on the minus strand). VCF-style: chr17-43114335-G-A. GRCh37 (hg19) VCF-style: chr17-41266352-G-A.
Other names: IVS 3+1391C>T; c.-8+1391C>T (NM_001408458.1, NM_001408470.1, NM_001407848.1 and 47 more transcripts); c.-219+10942C>T (NM_001407967.1); c.-169-9379C>T (NM_001407959.1, NM_001407963.1); c.-7-7802C>T (NM_001407931.1, NM_001407747.1, NM_001408461.1 and 28 more transcripts); c.-170+1391C>T (NM_001407962.1, NM_001408512.1, NM_001408510.1 and 1 more transcripts); c.-55+1391C>T (NM_001407885.1, NM_001407886.1, NM_001408509.1 and 52 more transcripts); c.-124+1391C>T (NM_001407746.1, NM_001408468.1, NM_001407842.1 and 13 more transcripts); and 9 more.
Identifiers: ClinVar variation 209529 (VCV000209529.2), dbSNP rs79415432, ClinGen allele CA276498.

ClinVar aggregate classification (germline): Benign (3 of 4 stars; one submission).

Conditions:
Breast-ovarian cancer, familial, susceptibility to, 1 (BROVCA1). Also called: BRCA1 Hereditary Breast and Ovarian Cancer; OVARIAN CANCER, SUSCEPTIBILITY TO. Identifiers: Orphanet 145, MedGen C2676676, MONDO:0011450, OMIM 604370. Disease mechanism: loss of function.

Allele frequency attached by ClinVar (database versions not stated): gnomAD 0.00362 and 0.00397; 1000 Genomes Project 0.00419; TOPMed 0.00428; 1000 Genomes Project 30x 0.00547.
gnomAD v4.1: 547 of 150,876 alleles (0.36%); highest among the groups gnomAD compares: African/African-American, 1.2%; 2 homozygotes.

Submission:

Evidence-based Network for the Interpretation of Germline Mutant Alleles (ENIGMA)
Classification: Benign for Breast-ovarian cancer, familial 1. Last evaluated: 2015-01-12. Review status: reviewed by expert panel. Criteria: ENIGMA BRCA1/2 Classification Criteria (2015). Collection method: curation. Allele origin: germline.
Comment: Class 1 not pathogenic based on frequency >1% in an outbred sampleset. Frequency 0.01829 (African), derived from 1000 genomes (2012-04-30).